The following is an entry in ClinVar:

ClinVar aggregate classification (germline): Benign. Review status: criteria provided, multiple submitters, no conflicts (2 of 4 stars). 5 submissions from 5 submitters: Benign (5). Last evaluated 2026-02-04.

Conditions:
Granulomatous disease, chronic, X-linked. Also called: GRANULOMATOUS DISEASE, CHRONIC, X-LINKED, SOMATIC MOSAIC; CYTOCHROME b-NEGATIVE GRANULOMATOUS DISEASE, CHRONIC, X-LINKED. Identifiers: Orphanet 379, MedGen C1844376, MONDO:0010600, OMIM 306400.

Allele frequency attached by ClinVar (database versions not stated): 1000 Genomes Project 30x 0.04433; ESP Exome Variant Server 0.04649; TOPMed 0.04664.
gnomAD v4.1: 9,772 of 1,203,163 alleles (0.81%); highest among the groups gnomAD compares: African/African-American, 14%; 466 homozygotes.

Submissions (5):

Labcorp Genetics (formerly Invitae), Labcorp
Classification: Benign for Granulomatous disease, chronic, X-linked. Last evaluated: 2026-02-04. Review status: criteria provided, single submitter. Criteria: Invitae Variant Classification Sherloc (09022015). Collection method: clinical testing. Allele origin: germline.

GeneDx
Classification: Benign. Last evaluated: 2015-03-03. Review status: criteria provided, single submitter. Criteria: GeneDx Variant Classification Process June 2021. Collection method: clinical testing. Allele origin: germline. Affected: yes.

Women's Health and Genetics/Laboratory Corporation of America, LabCorp
Classification: Benign for X-linked Chronic Granulomatous Disease. Last evaluated: 2011-08-18. Review status: criteria provided, single submitter. Criteria: LabCorp Variant Classification Summary - May 2015. Collection method: curation, clinical testing. Allele origin: germline. Inheritance: Xlinked NA. Affected: yes.
ClinVar note: Converted during submission from benign to Benign.

Breakthrough Genomics
Classification: Benign. Review status: criteria provided, single submitter. Criteria: ACMG Guidelines, 2015. Collection method: not provided. Allele origin: germline. Inheritance: X-linked inheritance. Affected: yes.

PreventionGenetics, part of Exact Sciences
Classification: Benign. Review status: criteria provided, single submitter. Criteria: ACMG Guidelines, 2015. Collection method: clinical testing. Allele origin: germline.

NM_000397.4(CYBB):c.1314+19C>T

Gene: CYBB (cytochrome b-245 beta chain; plus strand). Cytogenetic location: Xp11.4.
Variant type: single nucleotide variant.
Coding change: c.1314+19C>T on transcript NM_000397.4 (MANE Select); 19 bases into the intron after coding-DNA position 1314, C replaced by T.
Molecular consequence: intron variant.
Genome position (GRCh38, 1-based): chrX:37,805,187, C>T. VCF-style: chrX-37805187-C-T. GRCh37 (hg19) VCF-style: chrX-37664440-C-T.
Identifiers: ClinVar variation 35968 (VCV000035968.15), dbSNP rs34834015, ClinGen allele CA213626.